The following is an entry in ClinVar:

ClinVar aggregate classification (germline): Uncertain significance (1 of 4 stars; one submission).

Conditions:
Catecholaminergic polymorphic ventricular tachycardia 1. Also called: RYR2-Related Catecholaminergic Polymorphic Ventricular Tachycardia; VENTRICULAR TACHYCARDIA, STRESS-INDUCED POLYMORPHIC 1; VENTRICULAR TACHYCARDIA, CATECHOLAMINERGIC POLYMORPHIC, 1, WITH OR WITHOUT ATRIAL DYSFUNCTION AND/OR DILATED CARDIOMYOPATHY. Identifiers: Orphanet 3286, MedGen C1631597, MONDO:0011484, OMIM 604772.

Allele frequency attached by ClinVar (database versions not stated): gnomAD exomes below 0.00001.
gnomAD v4.1: 1 of 1,613,880 alleles (0.000062%); highest among the groups gnomAD compares: South Asian, 0.0011%; no homozygotes.

Submission:

MVZ Medizinische Genetik Mainz
Classification: Uncertain significance for Catecholaminergic polymorphic ventricular tachycardia 1. Last evaluated: 2023-06-20. Review status: criteria provided, single submitter. Criteria: UK Practice Guidelines For Variant Classification V4 01 2020. Collection method: clinical testing. Allele origin: germline. Inheritance: Autosomal dominant inheritance. Affected: yes. Observed: 1 variant allele.
Comment: PM2_SUP,PP2,PP3

NM_001035.3(RYR2):c.12122G>T (p.Gly4041Val)

Gene: RYR2 (ryanodine receptor 2; plus strand). Cytogenetic location: 1q43.
Variant type: single nucleotide variant.
Coding change: c.12122G>T on transcript NM_001035.3 (MANE Select); coding-DNA position 12122, G replaced by T.
Protein change: p.Gly4041Val; replaces glycine 4041 with valine.
Molecular consequence: missense variant.
Genome position (GRCh38, 1-based): chr1:237,783,834, G>T. VCF-style: chr1-237783834-G-T. GRCh37 (hg19) VCF-style: chr1-237947134-G-T.
Other names: short protein forms G4041V.
Identifiers: ClinVar variation 3061854 (VCV003061854.1), dbSNP rs2527775965, ClinGen allele CA345412174.